The following is an entry in ClinVar:

ClinVar aggregate classification (germline): Pathogenic (1 of 4 stars; one submission).

Submission:

Labcorp Genetics (formerly Invitae), Labcorp
Classification: Pathogenic. Last evaluated: 2023-03-26. Review status: criteria provided, single submitter. Criteria: Invitae Variant Classification Sherloc (09022015). Collection method: clinical testing. Allele origin: germline.
Comment: This sequence change creates a premature translational stop signal (p.Val791Profs*7) in the XPC gene. It is expected to result in an absent or disrupted protein product. Loss-of-function variants in XPC are known to be pathogenic (PMID: 23173980, 25256075). For these reasons, this variant has been classified as Pathogenic. This variant has not been reported in the literature in individuals affected with XPC-related conditions. This variant is not present in population databases (gnomAD no frequency).

Literature cited by the submitters: PubMed 23173980; PubMed 25256075.

NM_004628.5(XPC):c.2371_2372del (p.Val791fs)

Gene: XPC (XPC complex subunit, DNA damage recognition and repair factor; minus strand). Cytogenetic location: 3p25.1.
Variant type: Microsatellite.
Coding change: c.2371_2372del on transcript NM_004628.5 (MANE Select); coding-DNA positions 2371 to 2372, 2 bases deleted (GT; older notation c.2371_2372delGT).
Protein change: p.Val791fs; shifts the reading frame from valine 791.
Molecular consequence: frameshift variant. On other transcripts: non-coding transcript variant (2).
Genome position (GRCh38, 1-based): chr3:14,148,610-14,148,611, AC deleted on the plus strand (GT on the coding strand, the reverse complement: XPC is on the minus strand); deleting any 2 consecutive bases within chr3:14,148,610-14,148,614 gives the same sequence; the c. name uses the placement nearest the transcript's 3' end. VCF-style (leftmost placement, unchanged base first): chr3-14148609-GAC-G. GRCh37 (hg19) VCF-style: chr3-14190109-GAC-G.
Other names: c.1792_1793del, p.Val598fs (NM_001354726.2); c.2365_2366del, p.Val789fs (NM_001354727.2); c.2353_2354del, p.Val785fs (NM_001354729.2); c.2125_2126del, p.Val709fs (NM_001354730.2); short protein forms V789fs, V791fs, V709fs, V785fs, V598fs.
Identifiers: ClinVar variation 2780811 (VCV002780811.3), dbSNP rs2470225400, ClinGen allele CA2739280089.